The following is an entry in ClinVar:

NM_014444.5(TUBGCP4):c.1849-11TC[2]

Genes: TP53BP1 (tumor protein p53 binding protein 1; minus strand), TUBGCP4 (tubulin gamma complex component 4; plus strand). Cytogenetic location: 15q15.3.
Variant type: Microsatellite.
Coding change: c.1849-11TC[2] on transcript NM_014444.5 (MANE Select); two copies in a row of the 2-base unit TC starting at c.1849-11.
Molecular consequence: intron variant. On other transcripts: 3 prime UTR variant (5).
Genome position: GRCh38 VCF-style: chr15-43404401-TTC-T. GRCh37 (hg19) VCF-style: chr15-43696599-TTC-T.
Other names: c.*2976GA[2] (NM_001141979.3, NM_001141980.3, NM_001355001.2 and 2 more transcripts); c.1852-11TC[2] (NM_001286414.3).
Identifiers: ClinVar variation 1975092 (VCV001975092.5), dbSNP rs1158156506, ClinGen allele CA617650433.

ClinVar aggregate classification (germline): Uncertain significance (1 of 4 stars; one submission).

Submission:

Labcorp Genetics (formerly Invitae), Labcorp
Classification: Uncertain significance. Last evaluated: 2023-08-04. Review status: criteria provided, single submitter. Criteria: Invitae Variant Classification Sherloc (09022015). Collection method: clinical testing. Allele origin: germline.
Comment: This sequence change falls in intron 16 of the TUBGCP4 gene. It does not directly change the encoded amino acid sequence of the TUBGCP4 protein. This variant is present in population databases (no rsID available, gnomAD 0.003%). This variant has not been reported in the literature in individuals affected with TUBGCP4-related conditions. Algorithms developed to predict the effect of sequence changes on RNA splicing suggest that this variant may disrupt the consensus splice site. In summary, the available evidence is currently insufficient to determine the role of this variant in disease. Therefore, it has been classified as a Variant of Uncertain Significance.